The following is an entry in ClinVar:

NM_014251.3(SLC25A13):c.1769C>A (p.Ser590Ter)

Gene: SLC25A13 (solute carrier family 25 member 13; minus strand). Cytogenetic location: 7q21.3.
Variant type: single nucleotide variant.
Coding change: c.1769C>A on transcript NM_014251.3 (MANE Select); coding-DNA position 1769, C replaced by A.
Protein change: p.Ser590Ter; replaces serine 590 with a stop codon.
Molecular consequence: nonsense. On other transcripts: non-coding transcript variant (1).
Genome position (GRCh38, 1-based): chr7:96,121,727, G>T on the plus strand (C>A on the coding strand, the complement: SLC25A13 is on the minus strand). VCF-style: chr7-96121727-G-T. GRCh37 (hg19) VCF-style: chr7-95751039-G-T.
Other names: c.1769C>A (NM_014251.2); c.1772C>A, p.Ser591Ter (NM_001160210.2); short protein forms S590*, S591*.
Identifiers: ClinVar variation 1929400 (VCV001929400.9), dbSNP rs1323174734, ClinGen allele CA368257890.

ClinVar aggregate classification (germline): Pathogenic/Likely pathogenic. Review status: criteria provided, multiple submitters, no conflicts (2 of 4 stars). 4 submissions from 4 submitters: Pathogenic (2); Likely pathogenic (2). Last evaluated 2025-04-30.

Conditions:
Neonatal intrahepatic cholestasis due to citrin deficiency (CDNI). Also called: Neonatal-onset citrullinemia type II; Neonatal-onset citrullinemia type 2; CITRIN DEFICIENCY, NEONATAL OR INFANTILE ONSET; Neonatal Intrahepatic Cholestasis Caused by Citrin Deficiency (NICCD). Identifiers: Orphanet 247598, MedGen C1853942, MONDO:0011601, OMIM 605814.
Citrullinemia, type II, adult-onset (CDAA). Also called: CITRIN DEFICIENCY, ADOLESCENT OR ADULT ONSET. Identifiers: Orphanet 247585, MedGen CN295299, MONDO:0011326, OMIM 603471.
Citrin deficiency. Identifiers: Orphanet 247582, MedGen C1997910, MONDO:0016602.
Citrullinemia. Identifiers: Orphanet 187, MedGen C0175683, MONDO:0015991.

gnomAD v4.1: 1 of 1,614,170 alleles (0.000062%); highest among the groups gnomAD compares: Non-Finnish European, 0.000085%; no homozygotes.

Submissions (4):

First Genomix Gene Laboratory, Genetic Diagnostics Department
Classification: Pathogenic for Citrullinemia, type II, adult-onset; Neonatal intrahepatic cholestasis due to citrin deficiency. Last evaluated: 2025-04-30. Review status: criteria provided, single submitter. Criteria: ACMG Guidelines, 2015. Collection method: clinical testing. Allele origin: germline. Inheritance: Autosomal recessive inheritance. Affected: no. Observed: 1 variant allele.

Natera, Inc.
Classification: Likely pathogenic for Citrullinemia. Last evaluated: 2025-04-11. Review status: criteria provided, single submitter. Criteria: Natera Variant Classification Schema (03/2026). Collection method: clinical testing. Allele origin: germline.
Comment: The c.1769C>A variant in SLC25A13 is a nonsense variant predicted to introduce a stop codon at amino acid 590. This variant is expected to result in nonsense mediated decay, truncation, or a dysfunctional protein product. This variant is rare in the general population with a frequency below the threshold expected for the associated phenotype(s). Given the available evidence, this variant is classified as Likely Pathogenic.

Baylor Genetics
Classification: Likely pathogenic for Citrullinemia, type II, adult-onset. Last evaluated: 2024-01-02. Review status: criteria provided, single submitter. Criteria: ACMG Guidelines, 2015. Collection method: clinical testing. Allele origin: unknown.

Labcorp Genetics (formerly Invitae), Labcorp
Classification: Pathogenic for Citrin deficiency. Last evaluated: 2022-08-22. Review status: criteria provided, single submitter. Criteria: Invitae Variant Classification Sherloc (09022015). Collection method: clinical testing. Allele origin: germline.
Comment: For these reasons, this variant has been classified as Pathogenic. This sequence change creates a premature translational stop signal (p.Ser590*) in the SLC25A13 gene. It is expected to result in an absent or disrupted protein product. Loss-of-function variants in SLC25A13 are known to be pathogenic (PMID: 10369257, 14680984, 27405544). This variant is not present in population databases (gnomAD no frequency). This premature translational stop signal has been observed in individual(s) with citrullinemia (PMID: 31980526). This variant is also known as c.1772C>A (p.Ser591*).

Literature cited by the submitters: PubMed 10369257 (cited by Labcorp Genetics (formerly Invitae), Labcorp); PubMed 14680984 (cited by Labcorp Genetics (formerly Invitae), Labcorp); PubMed 27405544 (cited by Labcorp Genetics (formerly Invitae), Labcorp); PubMed 31980526 (cited by Labcorp Genetics (formerly Invitae), Labcorp).